The following is an entry in ClinVar:

ClinVar aggregate classification (germline): Uncertain significance (1 of 4 stars; one submission).

Allele frequency attached by ClinVar (database versions not stated): gnomAD exomes below 0.00001; TOPMed below 0.00001; ExAC 0.00001.

Submission:

Labcorp Genetics (formerly Invitae), Labcorp
Classification: Uncertain significance. Last evaluated: 2025-07-07. Review status: criteria provided, single submitter. Criteria: Invitae Variant Classification Sherloc (09022015). Collection method: clinical testing. Allele origin: germline.
Comment: This sequence change replaces cysteine, which is neutral and slightly polar, with tyrosine, which is neutral and polar, at codon 408 of the POLE2 protein (p.Cys408Tyr). This variant is present in population databases (rs754285623, gnomAD 0.002%). This variant has not been reported in the literature in individuals affected with POLE2-related conditions. ClinVar contains an entry for this variant (Variation ID: 2077880). An algorithm developed to predict the effect of missense changes on protein structure and function (PolyPhen-2) suggests that this variant is likely to be tolerated. In summary, the available evidence is currently insufficient to determine the role of this variant in disease. Therefore, it has been classified as a Variant of Uncertain Significance.

NM_002692.4(POLE2):c.1223G>A (p.Cys408Tyr)

Gene: POLE2 (DNA polymerase epsilon 2, accessory subunit; minus strand). Cytogenetic location: 14q21.3.
Variant type: single nucleotide variant.
Coding change: c.1223G>A on transcript NM_002692.4 (MANE Select); coding-DNA position 1223, G replaced by A.
Protein change: p.Cys408Tyr; replaces cysteine 408 with tyrosine.
Molecular consequence: missense variant.
Genome position (GRCh38, 1-based): chr14:49,651,366, C>T on the plus strand (G>A on the coding strand, the complement: POLE2 is on the minus strand). VCF-style: chr14-49651366-C-T. GRCh37 (hg19) VCF-style: chr14-50118084-C-T.
Other names: c.1145G>A, p.Cys382Tyr (NM_001197330.2); c.1223G>A, p.Cys408Tyr (NM_001197331.3); c.1220G>A, p.Cys407Tyr (NM_001348384.2); c.992G>A, p.Cys331Tyr (NM_001348385.2); short protein forms C407Y, C331Y, C382Y, C408Y.
Identifiers: ClinVar variation 2077880 (VCV002077880.4), dbSNP rs754285623, ClinGen allele CA7173335.